The following is an entry in ClinVar:

NM_003738.5(PTCH2):c.358C>T (p.Arg120Cys)

Gene: PTCH2 (patched 2; minus strand). Cytogenetic location: 1p34.1.
Variant type: single nucleotide variant.
Coding change: c.358C>T on transcript NM_003738.5 (MANE Select); coding-DNA position 358, C replaced by T.
Protein change: p.Arg120Cys; replaces arginine 120 with cysteine.
Molecular consequence: missense variant.
Genome position (GRCh38, 1-based): chr1:44,832,249, G>A on the plus strand (C>T on the coding strand, the complement: PTCH2 is on the minus strand). VCF-style: chr1-44832249-G-A. GRCh37 (hg19) VCF-style: chr1-45297921-G-A.
Other names: c.358C>T (NM_003738.4); c.358C>T, p.Arg120Cys (NM_001166292.2); short protein forms R120C.
Identifiers: ClinVar variation 2869428 (VCV002869428.4), dbSNP rs765161775, ClinGen allele CA823659.
Genomic context (GRCh38, chr1:44,832,249, plus strand): 5'-GGGCTGCCTGGAGGTGGAGGCCAAGTGCTTCGGGTGTGAGGATGTTCTCTCCCTCCTGGC[G>A]TGCGGTCTGTATCAGCATCTGAGAGGTGTATGCAGCCTCCTCCCCCAGCTTCTCCTTGGT-3'
Protein context (NP_003729.3, residues 110-130): YTSQMLIQTA[Arg120Cys]QEGENILTPE

ClinVar aggregate classification (germline): Uncertain significance. Review status: criteria provided, multiple submitters, no conflicts (2 of 4 stars). 2 submissions from 2 submitters: Uncertain significance (2). Last evaluated 2025-04-22.

Conditions:
Gorlin syndrome. Also called: Basal cell nevus syndrome; Nevoid Basal Cell Carcinoma Syndrome. Identifiers: Orphanet 377, MedGen C0004779, MONDO:0007187.
PTCH2-related disorder. Also called: PTCH2-related condition; PTCH2-related disease.

Allele frequency attached by ClinVar (database versions not stated): ExAC 0.00002; TOPMed 0.00003; gnomAD 0.00004.
gnomAD v4.1: 34 of 1,614,070 alleles (0.0021%); highest among the groups gnomAD compares: African/African-American, 0.004%; no homozygotes.

Submissions (2):

PreventionGenetics, part of Exact Sciences
Classification: Uncertain significance for PTCH2-related condition. Last evaluated: 2025-04-22. Review status: criteria provided, single submitter. Criteria: ACMG Guidelines, 2015. Collection method: clinical testing. Allele origin: germline.
Comment: The PTCH2 c.358C>T variant is predicted to result in the amino acid substitution p.Arg120Cys. To our knowledge, this variant has not been reported in the literature. This variant is reported in 0.0040% of alleles in individuals of African descent in gnomAD. This variant is classified as a variant of uncertain significance in ClinVar. At this time, the clinical significance of this variant is uncertain due to the absence of conclusive functional and genetic evidence.

Labcorp Genetics (formerly Invitae), Labcorp
Classification: Uncertain significance for Gorlin syndrome. Last evaluated: 2023-07-10. Review status: criteria provided, single submitter. Criteria: Invitae Variant Classification Sherloc (09022015). Collection method: clinical testing. Allele origin: germline.
Comment: In summary, the available evidence is currently insufficient to determine the role of this variant in disease. Therefore, it has been classified as a Variant of Uncertain Significance. Advanced modeling of protein sequence and biophysical properties (such as structural, functional, and spatial information, amino acid conservation, physicochemical variation, residue mobility, and thermodynamic stability) performed at Invitae indicates that this missense variant is not expected to disrupt PTCH2 protein function. This variant has not been reported in the literature in individuals affected with PTCH2-related conditions. This variant is present in population databases (rs765161775, gnomAD 0.004%). This sequence change replaces arginine, which is basic and polar, with cysteine, which is neutral and slightly polar, at codon 120 of the PTCH2 protein (p.Arg120Cys).